The following is an entry in ClinVar:

ClinVar aggregate classification (germline): Uncertain significance (1 of 4 stars; one submission).

Allele frequency attached by ClinVar (database versions not stated): gnomAD 0.00001; TOPMed 0.00001.
gnomAD v4.1: 1 of 1,614,008 alleles (0.000062%); highest among the groups gnomAD compares: African/African-American, 0.0013%; no homozygotes.

Submission:

Labcorp Genetics (formerly Invitae), Labcorp
Classification: Uncertain significance. Last evaluated: 2022-02-05. Review status: criteria provided, single submitter. Criteria: Invitae Variant Classification Sherloc (09022015). Collection method: clinical testing. Allele origin: germline.
Comment: This sequence change replaces leucine, which is neutral and non-polar, with glutamine, which is neutral and polar, at codon 1579 of the CEP250 protein (p.Leu1579Gln). This variant is not present in population databases (gnomAD no frequency). This variant has not been reported in the literature in individuals affected with CEP250-related conditions. Algorithms developed to predict the effect of missense changes on protein structure and function are either unavailable or do not agree on the potential impact of this missense change (SIFT: "Not Available"; PolyPhen-2: "Probably Damaging"; Align-GVGD: "Not Available"). In summary, the available evidence is currently insufficient to determine the role of this variant in disease. Therefore, it has been classified as a Variant of Uncertain Significance.

NM_007186.6(CEP250):c.4736T>A (p.Leu1579Gln)

Gene: CEP250 (centrosomal protein 250; plus strand). Cytogenetic location: 20q11.22.
Variant type: single nucleotide variant.
Coding change: c.4736T>A on transcript NM_007186.6 (MANE Select); coding-DNA position 4736, T replaced by A.
Protein change: p.Leu1579Gln; replaces leucine 1579 with glutamine.
Molecular consequence: missense variant.
Genome position (GRCh38, 1-based): chr20:35,503,105, T>A. VCF-style: chr20-35503105-T-A. GRCh37 (hg19) VCF-style: chr20-34090933-T-A.
Other names: c.2840T>A, p.Leu947Gln (NM_001318219.1); short protein forms L1579Q, L947Q.
Identifiers: ClinVar variation 1390955 (VCV001390955.5), dbSNP rs1399342319, ClinGen allele CA408749359.